The following is an entry in ClinVar:

NM_001386795.1(DTNA):c.1743+2062A>G

Gene: DTNA (dystrobrevin alpha; plus strand). Cytogenetic location: 18q12.1.
Variant type: single nucleotide variant.
Coding change: c.1743+2062A>G on transcript NM_001386795.1 (MANE Select); 2062 bases into the intron after coding-DNA position 1743, A replaced by G.
Molecular consequence: intron variant. On other transcripts: missense variant (12).
Genome position (GRCh38, 1-based): chr18:34,866,124, A>G. VCF-style: chr18-34866124-A-G. GRCh37 (hg19) VCF-style: chr18-32446088-A-G.
Other names: c.1496A>G, p.Lys499Arg (NM_001198939.2, NM_001198941.2, NM_001386771.1 and 1 more transcripts); c.926A>G, p.Lys309Arg (NM_001198945.2); c.1586A>G, p.Lys529Arg (NM_001386770.1); c.1493A>G, p.Lys498Arg (NM_001386773.1, NM_001386774.1); c.1676A>G, p.Lys559Arg (NM_001391.5); c.1667A>G, p.Lys556Arg (NM_032978.7); c.1505A>G, p.Lys502Arg (NM_032979.5); c.542A>G, p.Lys181Arg (NM_032981.5); and 12 more; short protein forms K499R, K502R, K556R, K309R, K559R, K181R, K498R, K529R.
Identifiers: ClinVar variation 4985561 (VCV004985561.1).

ClinVar aggregate classification (germline): Uncertain significance (1 of 4 stars; one submission).

Conditions:
DTNA-related disorder. Also called: DTNA-related condition.

gnomAD v4.1: 2 of 1,614,188 alleles (0.00012%); highest among the groups gnomAD compares: South Asian, 0.0022%; no homozygotes.

Submission:

PreventionGenetics, part of Exact Sciences
Classification: Uncertain significance for DTNA-related condition. Last evaluated: 2025-04-10. Review status: criteria provided, single submitter. Criteria: ACMG Guidelines, 2015. Collection method: clinical testing. Allele origin: germline.
Comment: The DTNA c.1496A>G variant is predicted to result in the amino acid substitution p.Lys499Arg. To our knowledge, this variant has not been reported in the literature. This variant is reported in 0.0033% of alleles in individuals of South Asian descent in gnomAD. At this time, the clinical significance of this variant is uncertain due to the absence of conclusive functional and genetic evidence.